The following is an entry in ClinVar:

ClinVar aggregate classification (germline): Uncertain significance. Review status: criteria provided, single submitter (1 of 4 stars). 2 submissions from 2 submitters: Uncertain significance (1). 1 of the submissions does not count toward it. Last evaluated 2023-02-16.

Conditions:
Duchenne muscular dystrophy (DMD). Also called: MUSCULAR DYSTROPHY, PSEUDOHYPERTROPHIC PROGRESSIVE, DUCHENNE TYPE; Duchenne Muscular Dystrophy (DMD). Identifiers: Orphanet 98896, MedGen C0013264, MONDO:0010679, OMIM 310200.
Dystrophin deficiency.
Becker muscular dystrophy (BMD). Also called: MUSCULAR DYSTROPHY, PSEUDOHYPERTROPHIC PROGRESSIVE, BECKER TYPE; Becker Muscular Dystrophy (BMD). Identifiers: Orphanet 98895, MedGen C0917713, MONDO:0010311, OMIM 300376.
Cardiomyopathy (CMYO). Also called: Cardiomyopathies. Identifiers: Orphanet 167848, MedGen C0878544, MONDO:0004994, HP:0001638. Inheritance: Various modes of inheritance.

Allele frequency attached by ClinVar (database versions not stated): ExAC 0.00001; gnomAD exomes 0.00001.
gnomAD v4.1: 3 of 1,209,969 alleles (0.00025%); highest among the groups gnomAD compares: Admixed American, 0.0022%; no homozygotes.

Submissions (2):

Labcorp Genetics (formerly Invitae), Labcorp
Classification: Uncertain significance for Duchenne muscular dystrophy. Last evaluated: 2023-02-16. Review status: criteria provided, single submitter. Criteria: Invitae Variant Classification Sherloc (09022015). Collection method: clinical testing. Allele origin: germline.
Comment: ClinVar contains an entry for this variant (Variation ID: 1019121). Advanced modeling of protein sequence and biophysical properties (such as structural, functional, and spatial information, amino acid conservation, physicochemical variation, residue mobility, and thermodynamic stability) performed at Invitae indicates that this missense variant is not expected to disrupt DMD protein function. In summary, the available evidence is currently insufficient to determine the role of this variant in disease. Therefore, it has been classified as a Variant of Uncertain Significance. This variant has not been reported in the literature in individuals affected with DMD-related conditions. This sequence change replaces alanine, which is neutral and non-polar, with threonine, which is neutral and polar, at codon 1589 of the DMD protein (p.Ala1589Thr). This variant is present in population databases (rs770347305, gnomAD 0.001%).

Natera, Inc.
Classification: Uncertain significance for Becker muscular dystrophy; Cardiomyopathy; Duchenne muscular dystrophy; Dystrophin deficiency. Last evaluated: 2018-12-04. Review status: no assertion criteria provided. Collection method: clinical testing. Allele origin: germline. Not counted in ClinVar's aggregate classification.

NM_004006.3(DMD):c.4765G>A (p.Ala1589Thr)

Gene: DMD (dystrophin; minus strand). Cytogenetic location: Xp21.1.
Variant type: single nucleotide variant.
Coding change: c.4765G>A on transcript NM_004006.3 (MANE Select); coding-DNA position 4765, G replaced by A.
Protein change: p.Ala1589Thr; replaces alanine 1589 with threonine.
Molecular consequence: missense variant.
Genome position (GRCh38, 1-based): chrX:32,380,590, C>T on the plus strand (G>A on the coding strand, the complement: DMD is on the minus strand). VCF-style: chrX-32380590-C-T. GRCh37 (hg19) VCF-style: chrX-32398707-C-T.
Other names: c.4741G>A, p.Ala1581Thr (NM_000109.4); c.4753G>A, p.Ala1585Thr (NM_004009.3); c.4396G>A, p.Ala1466Thr (NM_004010.3); c.742G>A, p.Ala248Thr (NM_004011.4); c.733G>A, p.Ala245Thr (NM_004012.4); short protein forms A1466T, A1581T, A1585T, A1589T, A245T, A248T.
Identifiers: ClinVar variation 1019121 (VCV001019121.10), dbSNP rs770347305, ClinGen allele CA10378866.